The following is an entry in ClinVar:

NM_005477.3(HCN4):c.1511C>A (p.Thr504Asn)

Gene: HCN4 (hyperpolarization activated cyclic nucleotide gated potassium channel 4; minus strand). Cytogenetic location: 15q24.1.
Variant type: single nucleotide variant.
Coding change: c.1511C>A on transcript NM_005477.3 (MANE Select); coding-DNA position 1511, C replaced by A.
Protein change: p.Thr504Asn; replaces threonine 504 with asparagine.
Molecular consequence: missense variant.
Genome position (GRCh38, 1-based): chr15:73,329,652, G>T on the plus strand (C>A on the coding strand, the complement: HCN4 is on the minus strand). VCF-style: chr15-73329652-G-T. GRCh37 (hg19) VCF-style: chr15-73621993-G-T.
Other names: short protein forms T504N.
Identifiers: ClinVar variation 646340 (VCV000646340.8), dbSNP rs1595822914, ClinGen allele CA393093686.

ClinVar aggregate classification (germline): Uncertain significance (1 of 4 stars; one submission).

Conditions:
Brugada syndrome 8 (BRGDA8). Identifiers: Orphanet 130, MedGen C2751083, MONDO:0013148, OMIM 613123.

Submission:

Labcorp Genetics (formerly Invitae), Labcorp
Classification: Uncertain significance for Brugada syndrome 8. Last evaluated: 2018-12-24. Review status: criteria provided, single submitter. Criteria: Invitae Variant Classification Sherloc (09022015). Collection method: clinical testing. Allele origin: germline.
Comment: This sequence change replaces threonine with asparagine at codon 504 of the HCN4 protein (p.Thr504Asn). The threonine residue is highly conserved and there is a small physicochemical difference between threonine and asparagine. This variant is not present in population databases (ExAC no frequency). This variant has not been reported in the literature in individuals with HCN4-related conditions. Algorithms developed to predict the effect of missense changes on protein structure and function (SIFT, PolyPhen-2, Align-GVGD) all suggest that this variant is likely to be disruptive, but these predictions have not been confirmed by published functional studies and their clinical significance is uncertain. In summary, the available evidence is currently insufficient to determine the role of this variant in disease. Therefore, it has been classified as a Variant of Uncertain Significance.